The following is an entry in ClinVar:

ClinVar aggregate classification (germline): Uncertain significance. Review status: criteria provided, multiple submitters, no conflicts (2 of 4 stars). 3 submissions from 3 submitters: Uncertain significance (3). Last evaluated 2024-09-17.

Conditions:
Inborn genetic diseases. Identifiers: MedGen C0950123, MeSH D030342.

Allele frequency attached by ClinVar (database versions not stated): gnomAD 0.00003; TOPMed 0.00003; ExAC 0.00004.
gnomAD v4.1: 88 of 1,613,520 alleles (0.0055%); highest among the groups gnomAD compares: Non-Finnish European, 0.0073%; no homozygotes.

Submissions (3):

GeneDx
Classification: Uncertain significance. Last evaluated: 2024-09-17. Review status: criteria provided, single submitter. Criteria: GeneDx Variant Classification Process June 2021. Collection method: clinical testing. Allele origin: germline.
Comment: In silico analysis supports that this missense variant does not alter protein structure/function; Has not been previously published as pathogenic or benign to our knowledge

Blueprint Genetics
Classification: Uncertain significance. Last evaluated: 2023-11-28. Review status: criteria provided, single submitter. Criteria: ACMG Guidelines, 2015. Collection method: clinical testing. Allele origin: germline.

Ambry Genetics
Classification: Uncertain significance for Inborn genetic diseases. Last evaluated: 2021-02-25. Review status: criteria provided, single submitter. Criteria: Ambry Variant Classification Scheme 2023. Collection method: clinical testing. Allele origin: germline.

NM_014738.6(TMEM94):c.1054G>T (p.Ala352Ser)

Gene: TMEM94 (transmembrane protein 94; plus strand). Cytogenetic location: 17q25.1.
Variant type: single nucleotide variant.
Coding change: c.1054G>T on transcript NM_014738.6 (MANE Select); coding-DNA position 1054, G replaced by T.
Protein change: p.Ala352Ser; replaces alanine 352 with serine.
Molecular consequence: missense variant.
Genome position (GRCh38, 1-based): chr17:75,490,333, G>T. VCF-style: chr17-75490333-G-T. GRCh37 (hg19) VCF-style: chr17-73486414-G-T.
Other names: c.1054G>T (NM_014738.5); c.1084G>T, p.Ala362Ser (NM_001321148.2, NM_001351203.2); c.1054G>T, p.Ala352Ser (NM_001321149.2, NM_001351202.2); short protein forms A362S, A352S.
Identifiers: ClinVar variation 2216425 (VCV002216425.5), dbSNP rs771215379, ClinGen allele CA8761695.